The following is an entry in ClinVar:

NM_001009999.3(KDM1A):c.961G>A (p.Gly321Arg)

Gene: KDM1A (lysine demethylase 1A; plus strand). Cytogenetic location: 1p36.12.
Variant type: single nucleotide variant.
Coding change: c.961G>A on transcript NM_001009999.3 (MANE Select); coding-DNA position 961, G replaced by A.
Protein change: p.Gly321Arg; replaces glycine 321 with arginine.
Molecular consequence: missense variant.
Genome position (GRCh38, 1-based): chr1:23,056,009, G>A. VCF-style: chr1-23056009-G-A. GRCh37 (hg19) VCF-style: chr1-23382502-G-A.
Other names: c.901G>A, p.Gly301Arg (NM_001363654.2, NM_001410763.1, NM_015013.4); c.961G>A, p.Gly321Arg (NM_001410762.1); short protein forms G301R, G321R.
Identifiers: ClinVar variation 2550873 (VCV002550873.3), dbSNP rs2522694946, ClinGen allele CA338963006.
Genomic context (GRCh38, chr1:23,056,009, plus strand): 5'-GTAATTATTATAGGCTCTGGGGTCTCAGGCTTGGCAGCAGCTCGACAGTTACAAAGTTTT[G>A]GAATGGATGTCACACTTTTGGAAGCCAGGGTAAGAATTTCATTTTGAGTTTAGAGGCTTG-3'
Protein context (NP_001009999.1, residues 311-331): LAAARQLQSF[Gly321Arg]MDVTLLEARD

ClinVar aggregate classification (germline): Uncertain significance (1 of 4 stars; one submission).

Conditions:
Inborn genetic diseases. Identifiers: MedGen C0950123, MeSH D030342.

Submission:

Ambry Genetics
Classification: Uncertain significance for Inborn genetic diseases. Last evaluated: 2025-05-16. Review status: criteria provided, single submitter. Criteria: Ambry Variant Classification Scheme 2023. Collection method: clinical testing. Allele origin: germline.
Comment: The p.G321R variant (also known as c.961G>A), located in coding exon 7 of the KDM1A gene, results from a G to A substitution at nucleotide position 961. The glycine at codon 321 is replaced by arginine, an amino acid with dissimilar properties. This amino acid position is conserved. In addition, the in silico prediction for this alteration is inconclusive. Based on the available evidence, the clinical significance of this variant remains unclear.